The following is an entry in ClinVar:

NM_022124.6(CDH23):c.5901G>C (p.Glu1967Asp)

Gene: CDH23 (cadherin related 23; plus strand). Cytogenetic location: 10q22.1.
Variant type: single nucleotide variant.
Coding change: c.5901G>C on transcript NM_022124.6 (MANE Select); coding-DNA position 5901, G replaced by C.
Protein change: p.Glu1967Asp; replaces glutamic acid 1967 with aspartic acid.
Molecular consequence: missense variant.
Genome position (GRCh38, 1-based): chr10:71,789,020, G>C. VCF-style: chr10-71789020-G-C. GRCh37 (hg19) VCF-style: chr10-73548777-G-C.
Other names: short protein forms E1967D.
Identifiers: ClinVar variation 1447479 (VCV001447479.6), dbSNP rs758329598, ClinGen allele CA209460516.
Genomic context (GRCh38, chr10:71,789,020, plus strand): 5'-CTTCCTTTCTGATGAGAATGACAACCACCCCCTCTTCACTAAAAGCACCTACCAGGCAGA[G>C]GTGATGGAAAACTCTCCCGCTGGTAGGTGCTGGGCCCACCCGGGAGCTCCTGCTGTTGCC-3'
Protein context (NP_071407.4, residues 1957-1977): PLFTKSTYQA[Glu1967Asp]VMENSPAGTP

ClinVar aggregate classification (germline): Uncertain significance (1 of 4 stars; one submission).

Allele frequency attached by ClinVar (database versions not stated): TOPMed below 0.00001.
gnomAD v4.1: 37 of 1,587,826 alleles (0.0023%); highest among the groups gnomAD compares: Non-Finnish European, 0.0032%; no homozygotes.

Submission:

Labcorp Genetics (formerly Invitae), Labcorp
Classification: Uncertain significance. Last evaluated: 2024-01-29. Review status: criteria provided, single submitter. Criteria: Invitae Variant Classification Sherloc (09022015). Collection method: clinical testing. Allele origin: germline.
Comment: This sequence change replaces glutamic acid, which is acidic and polar, with aspartic acid, which is acidic and polar, at codon 1967 of the CDH23 protein (p.Glu1967Asp). This variant is present in population databases (rs758329598, gnomAD 0.002%). This variant has not been reported in the literature in individuals affected with CDH23-related conditions. ClinVar contains an entry for this variant (Variation ID: 1447479). Advanced modeling of protein sequence and biophysical properties (such as structural, functional, and spatial information, amino acid conservation, physicochemical variation, residue mobility, and thermodynamic stability) performed at Invitae indicates that this missense variant is not expected to disrupt CDH23 protein function with a negative predictive value of 95%. In summary, the available evidence is currently insufficient to determine the role of this variant in disease. Therefore, it has been classified as a Variant of Uncertain Significance.